The following is an entry in ClinVar:

NM_172107.4(KCNQ2):c.640C>T (p.Arg214Trp)

Gene: KCNQ2 (potassium voltage-gated channel subfamily Q member 2; minus strand). Cytogenetic location: 20q13.33.
Variant type: single nucleotide variant.
Coding change: c.640C>T on transcript NM_172107.4 (MANE Select); coding-DNA position 640, C replaced by T.
Protein change: p.Arg214Trp; replaces arginine 214 with tryptophan.
Molecular consequence: missense variant.
Genome position (GRCh38, 1-based): chr20:63,444,709, G>A on the plus strand (C>T on the coding strand, the complement: KCNQ2 is on the minus strand). VCF-style: chr20-63444709-G-A. GRCh37 (hg19) VCF-style: chr20-62076062-G-A.
Other names: c.640C>T (NM_172107.3); c.640C>T, p.Arg214Trp (NM_004518.6, NM_172106.3, NM_172108.5 and 1 more transcripts); short protein forms R214W.
Identifiers: ClinVar variation 7385 (VCV000007385.63), dbSNP rs28939684, ClinGen allele CA245495.

ClinVar aggregate classification (germline): Pathogenic/Likely pathogenic. Review status: criteria provided, multiple submitters, no conflicts (2 of 4 stars). 8 submissions from 8 submitters: Pathogenic (4); Likely pathogenic (1). 3 of the submissions do not count toward it. Last evaluated 2026-02-04.

Conditions:
Neonatal/infantile epilepsy syndrome. Identifiers: Orphanet 693802, MedGen C6012369, MONDO:0100022.
Early-infantile DEE. Also called: Ohtahara syndrome; Early infantile epileptic encephalopathy; Early infantile epileptic encephalopathy with suppression bursts. Identifiers: Orphanet 1934, MedGen C0393706, MONDO:0800491.
Developmental and epileptic encephalopathy, 7 (DEE7). Also called: KCNQ2-Related Neonatal-Onset Developmental and Epileptic Encephalopathy (NEO-DEE); Early infantile epileptic encephalopathy 7; KCNQ2-Related Neonatal Epileptic Encephalopathy. Identifiers: Orphanet 439218, MedGen C3150986, MONDO:0013387, OMIM 613720.
Seizures, benign familial neonatal, 1. Also called: KCNQ2-Related Self-Limited Familial Neonatal Epilepsy (SLFNE); Benign Neonatal Epilepsy 1; KCNQ2-Related Benign Familial Neonatal Epilepsy; Seizures, benign neonatal, 1. Identifiers: Orphanet 1949, MedGen C3149074, MONDO:0007365, OMIM 121200.

Submissions (14):

GeneDx
Classification: Pathogenic. Last evaluated: 2026-02-04. Review status: criteria provided, single submitter. Criteria: GeneDx Variant Classification Process June 2021. Collection method: clinical testing. Allele origin: germline. Affected: yes.
Comment: Published functional studies demonstrate a damaging effect: significantly altered channel voltage-dependent gating in homomeric and heteromeric configurations with Q3 by reducing the opening and increasing the closing kinetics and decreasing voltage sensitivity (PMID: 11784811); Not observed at significant frequency in large population cohorts (gnomAD); In silico analysis supports that this missense variant has a deleterious effect on protein structure/function; This variant is associated with the following publications: (PMID: 12015163, 16916607, 28488083, 19818940, 14534157, 17475800, 19380078, 18238816, 18353052, 18698150, 11690625, 21687499, 11572947, 28372301, 29056246, 16686649, 40043113, 11784811, 11175290, 35642783)

Labcorp Genetics (formerly Invitae), Labcorp
Classification: Pathogenic for Early-infantile DEE. Last evaluated: 2024-12-04. Review status: criteria provided, single submitter. Criteria: Invitae Variant Classification Sherloc (09022015). Collection method: clinical testing. Allele origin: germline.
Comment: This sequence change replaces arginine, which is basic and polar, with tryptophan, which is neutral and slightly polar, at codon 214 of the KCNQ2 protein (p.Arg214Trp). This variant is not present in population databases (gnomAD no frequency). This missense change has been observed in individual(s) with KCNQ2-related conditions (PMID: 11175290). It has also been observed to segregate with disease in related individuals. ClinVar contains an entry for this variant (Variation ID: 7385). Invitae Evidence Modeling of protein sequence and biophysical properties (such as structural, functional, and spatial information, amino acid conservation, physicochemical variation, residue mobility, and thermodynamic stability) indicates that this missense variant is expected to disrupt KCNQ2 protein function with a positive predictive value of 95%. Experimental studies have shown that this missense change affects KCNQ2 function (PMID: 11784811). This variant disrupts the p.Arg214 amino acid residue in KCNQ2. Other variant(s) that disrupt this residue have been determined to be pathogenic (PMID: 31152295). This suggests that this residue is clinically significant, and that variants that disrupt this residue are likely to be disease-causing. For these reasons, this variant has been classified as Pathogenic.

Victorian Clinical Genetics Services, Murdoch Childrens Research Institute
Classification: Pathogenic for Neonatal/infantile epilepsy syndrome. Last evaluated: 2023-07-17. Review status: criteria provided, single submitter. Criteria: ACMG Guidelines, 2015. Collection method: clinical testing. Allele origin: germline. Inheritance: Autosomal dominant inheritance. Affected: yes.
Comment: Based on the classification scheme VCGS_Germline_v1.3.4, this variant is classified as Pathogenic. Following criteria are met: 0103 - Dominant negative and loss of function are known mechanisms of disease in this gene and are associated with developmental and epileptic encephalopathy 7 (DEE; MIM#613720) and benign neonatal seizures 1 (BFNS1; MIM#121200), respectively (GeneReviews). (I) 0107 - This gene is associated with autosomal dominant disease. (I) 0200 - Variant is predicted to result in a missense amino acid change from arginine to tryptophan. (I) 0251 - This variant is heterozygous. (I) 0301 - Variant is absent from gnomAD (both v2 and v3). (SP) 0501 - Missense variant consistently predicted to be damaging by multiple in silico tools or highly conserved with a major amino acid change. (SP) 0603 - Missense variant in a region that is highly intolerant to missense variation (high constraint region in DECIPHER). (SP) 0801 - This variant has strong previous evidence of pathogenicity in unrelated individuals. It has been reported as likely pathogenic and pathogenic by multiple clinical testing laboratories (ClinVar). In addition, it has been reported in a large four-generation family with benign familial neonatal convulsions, as heterozygous in eight affected members and one obligate carrier (PMID: 11175290). This variant has also been reported in an individual with seizures, autism, hydrocephaly, and father with a history of epilepsy in childhood (PMID: 29056246). (SP) 1002 - This variant has moderate functional evidence supporting abnormal protein function. Functional studies showed this variant results in loss of function (PMIDs: 35642783, 11784811). (I) Legend: (SP) – Supporting pathogenic, (I) - Information, (SB) - Supporting benign

CeGaT Center for Human Genetics Tuebingen
Classification: Pathogenic. Last evaluated: 2019-11-01. Review status: criteria provided, single submitter. Criteria: CeGaT Center For Human Genetics Tuebingen Variant Classification Criteria Version 2. Collection method: clinical testing. Allele origin: germline. Affected: yes. Observed: 1 variant allele.

Eurofins Ntd Llc (ga)
Classification: Likely pathogenic. Last evaluated: 2015-05-27. Review status: criteria provided, single submitter. Criteria: EGL Classification Definitions. Collection method: clinical testing. Allele origin: germline. Observed: 1 variant allele, 1 heterozygote.

Department of Neurology, Faculty of Medicine, Pavol Jozef Safarik University
Classification: Pathogenic for Developmental and epileptic encephalopathy, 7. Last evaluated: 2026-02-01. Review status: no assertion criteria provided. Collection method: research. Allele origin: paternal, germline. Inheritance: Autosomal dominant inheritance. Affected: yes. Observed: 2 variant alleles, 2 heterozygotes. Clinical features observed: Epileptic encephalopathy (HP:0200134), Neurodevelopmental delay (HP:0012758), Seizure (HP:0001250), Encephalopathy (HP:0001298), Gait ataxia (HP:0002066), Poor fine motor coordination (HP:0007010), Intellectual disability (HP:0001249), Family history (HP:0032316). Not counted in ClinVar's aggregate classification.
Comment: The NM_172107.4 (KCNQ2):c.640C>T p.(Arg214Trp) variant is a recurrent missense variant previously reported in association with KCNQ2-related epilepsy. It was originally described in an Italian family with a presumed self-limited neonatal epilepsy phenotype (Miraglia del Giudice et al., 2000). Since that report, detailed long-term clinical follow-up data have remained limited. In our study, the heterozygous KCNQ2 p.(Arg214Trp) variant was identified in two affected family members with early-onset epilepsy, neurodevelopmental impairment, and seizure recurrence in adulthood. The long-term clinical follow-up extends the currently available clinical evidence and broadens the phenotypic spectrum associated with this variant.

OMIM
Classification: Pathogenic for SEIZURES, BENIGN FAMILIAL NEONATAL, 1. Last evaluated: 2000-12-01. Review status: no assertion criteria provided. Collection method: literature only. Allele origin: germline. Not counted in ClinVar's aggregate classification.

Channelopathy-Associated Epilepsy Research Center
No classification provided (evidence only). Condition: Complex neurodevelopmental disorder. Review status: no classification provided. Collection method: literature only. Allele origin: not applicable. Functional consequence: Severe decrease in peak current, Normal rate of activation, Normal voltage dependence of activation. Not counted in ClinVar's aggregate classification.
ClinVar note: "not provided" was previously submitted as the classification for the variant. However, the classification appeared to be based only on an observation of functional data so it was converted to no classification on 2025-07-30.

Channelopathy-Associated Epilepsy Research Center
No classification provided (evidence only). Review status: no classification provided. Collection method: in vitro. Allele origin: not applicable. Functional consequence: Normal peak current. Not counted in ClinVar's aggregate classification.

Channelopathy-Associated Epilepsy Research Center
No classification provided (evidence only). Review status: no classification provided. Collection method: in vitro. Allele origin: not applicable. Functional consequence: Normal peak current. Not counted in ClinVar's aggregate classification.

Channelopathy-Associated Epilepsy Research Center
No classification provided (evidence only). Review status: no classification provided. Collection method: in vitro. Allele origin: not applicable. Functional consequence: Normal voltage dependence of activation. Not counted in ClinVar's aggregate classification.

Channelopathy-Associated Epilepsy Research Center
No classification provided (evidence only). Review status: no classification provided. Collection method: in vitro. Allele origin: not applicable. Functional consequence: Increase in slope of activation. Not counted in ClinVar's aggregate classification.

Channelopathy-Associated Epilepsy Research Center
No classification provided (evidence only). Review status: no classification provided. Collection method: in vitro. Allele origin: not applicable. Functional consequence: Normal rate of activation. Not counted in ClinVar's aggregate classification.

GeneReviews
No classification provided. Condition: Seizures, benign familial neonatal, 1. Review status: no classification provided. Collection method: literature only. Allele origin: germline. Affected: yes. Not counted in ClinVar's aggregate classification.
Comment: BFNE (benign familial neonatal epilepsy)

Functional effect: Slight rightward shift in current voltage-dependence; no effect on maximal current amplitude

Literature cited by the submitters: PubMed 11175290 (cited by 4 submitters); PubMed 11784811 (cited by 3 submitters); PubMed 31152295 (cited by Labcorp Genetics (formerly Invitae), Labcorp); PubMed 29056246 (cited by Victorian Clinical Genetics Services, Murdoch Childrens Research Institute); PubMed 35642783 (cited by Victorian Clinical Genetics Services, Murdoch Childrens Research Institute); DOI 10.1038/sj.ejhg.5200570 (cited by Department of Neurology, Faculty of Medicine, Pavol Jozef Safarik University); PubMed 43058523 (cited by Department of Neurology, Faculty of Medicine, Pavol Jozef Safarik University); PubMed 35104249 (cited by Channelopathy-Associated Epilepsy Research Center); NCBI Bookshelf NBK32534 (cited by GeneReviews).